The following is an entry in ClinVar:

ClinVar aggregate classification (germline): Uncertain significance. Review status: criteria provided, multiple submitters, no conflicts (2 of 4 stars). 4 submissions from 4 submitters: Uncertain significance (4). Last evaluated 2024-06-12.

Conditions:
Posterior column ataxia-retinitis pigmentosa syndrome (RETSNS). Also called: RETINOPATHY-SENSORY NEUROPATHY SYNDROME. Identifiers: Orphanet 88628, MedGen C1836916, MONDO:0012177, OMIM 609033.
Inborn genetic diseases. Identifiers: MedGen C0950123, MeSH D030342.

Allele frequency attached by ClinVar (database versions not stated): gnomAD 0.00002 and 0.00003; gnomAD exomes 0.00002 and 0.00006; TOPMed 0.00002; ExAC 0.00005.

Submissions (4):

Blueprint Genetics
Classification: Uncertain significance. Last evaluated: 2024-06-12. Review status: criteria provided, single submitter. Criteria: ACMG Guidelines, 2015. Collection method: clinical testing. Allele origin: germline.

Ambry Genetics
Classification: Uncertain significance for Inborn genetic diseases. Last evaluated: 2023-10-10. Review status: criteria provided, single submitter. Criteria: Ambry Variant Classification Scheme 2023. Collection method: clinical testing. Allele origin: germline.

Labcorp Genetics (formerly Invitae), Labcorp
Classification: Uncertain significance. Last evaluated: 2020-01-10. Review status: criteria provided, single submitter. Criteria: Invitae Variant Classification Sherloc (09022015). Collection method: clinical testing. Allele origin: germline.
Comment: In summary, the available evidence is currently insufficient to determine the role of this variant in disease. Therefore, it has been classified as a Variant of Uncertain Significance. Algorithms developed to predict the effect of missense changes on protein structure and function are either unavailable or do not agree on the potential impact of this missense change (SIFT: "Deleterious"; PolyPhen-2: "Benign"; Align-GVGD: "Class C15"). This variant has not been reported in the literature in individuals with FLVCR1-related conditions. This variant is present in population databases (rs766483912, ExAC 0.01%). This sequence change replaces phenylalanine with leucine at codon 278 of the FLVCR1 protein (p.Phe278Leu). The phenylalanine residue is highly conserved and there is a small physicochemical difference between phenylalanine and leucine.

Illumina Laboratory Services, Illumina
Classification: Uncertain significance for Posterior column ataxia-retinitis pigmentosa syndrome. Last evaluated: 2018-01-13. Review status: criteria provided, single submitter. Criteria: ICSL Variant Classification Criteria 13 December 2019. Collection method: clinical testing. Allele origin: germline.

NM_014053.4(FLVCR1):c.832T>C (p.Phe278Leu)

Gene: FLVCR1 (FLVCR choline and heme transporter 1; plus strand). Cytogenetic location: 1q32.3.
Variant type: single nucleotide variant.
Coding change: c.832T>C on transcript NM_014053.4 (MANE Select); coding-DNA position 832, T replaced by C.
Protein change: p.Phe278Leu; replaces phenylalanine 278 with leucine.
Molecular consequence: missense variant.
Genome position (GRCh38, 1-based): chr1:212,863,818, T>C. VCF-style: chr1-212863818-T-C. GRCh37 (hg19) VCF-style: chr1-213037160-T-C.
Other names: short protein forms F278L.
Identifiers: ClinVar variation 874830 (VCV000874830.13), dbSNP rs766483912, ClinGen allele CA1385970.